The following is an entry in ClinVar:

ClinVar aggregate classification (germline): Benign. Review status: criteria provided, multiple submitters, no conflicts (2 of 4 stars). 15 submissions from 13 submitters: Benign (11). 4 of the submissions do not count toward it. Last evaluated 2026-02-04.

Conditions:
Hypophosphatasia. Also called: Phosphoethanol-aminuria. Identifiers: Orphanet 436, MedGen C0020630, MeSH D007014, MONDO:0018570.
Adult hypophosphatasia. Identifiers: Orphanet 247676, Orphanet 436, MedGen C0268413, MONDO:1010154, OMIM 146300, MONDO:0007798.
Infantile hypophosphatasia. Identifiers: Orphanet 247651, Orphanet 436, MedGen C0268412, MONDO:1010169, OMIM 241500, MONDO:0009427.
Childhood hypophosphatasia. Identifiers: Orphanet 247667, Orphanet 436, MedGen C0220743, MONDO:1010168, OMIM 241510, MONDO:0009428.

Allele frequency attached by ClinVar (database versions not stated): TOPMed 0.92141; ESP Exome Variant Server 0.92173; gnomAD 0.92311 and 0.92552; 1000 Genomes Project 30x 0.92879; 1000 Genomes Project 0.92951; gnomAD exomes 0.94264 and 0.94724; ExAC 0.94498.
gnomAD v4.1: 1,518,589 of 1,613,716 alleles (94%); highest among the groups gnomAD compares: East Asian, 99%; 714,982 homozygotes.

Submissions (15):

Labcorp Genetics (formerly Invitae), Labcorp
Classification: Benign. Last evaluated: 2026-02-04. Review status: criteria provided, single submitter. Criteria: Invitae Variant Classification Sherloc (09022015). Collection method: clinical testing. Allele origin: germline.

Genomenon, Inc
Classification: Benign for Hypophosphatasia. Last evaluated: 2025-08-29. Review status: criteria provided, single submitter. Criteria: Genomenon Sequence Variant Interpretation Standards. Collection method: curation. Allele origin: germline. Affected: no.
Comment: ALPL c.330T>C is a synonymous variant that retains Serine at residue 110. This variant is present at high allele frequency in population databases. In conclusion, we classify ALPL c.330T>C as a benign variant.

Blueprint Genetics
Classification: Benign. Last evaluated: 2024-11-26. Review status: criteria provided, single submitter. Criteria: ACMG Guidelines, 2015. Collection method: clinical testing. Allele origin: germline.

Mayo Clinic Laboratories, Mayo Clinic
Classification: Benign. Last evaluated: 2022-04-26. Review status: criteria provided, single submitter. Criteria: ACMG Guidelines, 2015. Collection method: clinical testing. Allele origin: germline. Observed: 309 variant alleles.

JKU Lab, Dept of Paediatrics, Johannes Kepler University
Classification: Benign for Hypophosphatasia. Last evaluated: 2022-03-04. Review status: criteria provided, single submitter. Criteria: ACMG Guidelines, 2015. Collection method: clinical testing. Allele origin: germline. Affected: yes.
Comment: GnomAD frequency 94.49%. It is a Synonymous change.

Genome-Nilou Lab
Classification: Benign for Infantile hypophosphatasia. Last evaluated: 2021-07-01. Review status: criteria provided, single submitter. Criteria: ACMG Guidelines, 2015. Collection method: clinical testing. Allele origin: germline. Affected: no.

Genome-Nilou Lab
Classification: Benign for Childhood hypophosphatasia. Last evaluated: 2021-07-01. Review status: criteria provided, single submitter. Criteria: ACMG Guidelines, 2015. Collection method: clinical testing. Allele origin: germline. Affected: no.

Genome-Nilou Lab
Classification: Benign for Adult hypophosphatasia. Last evaluated: 2021-07-01. Review status: criteria provided, single submitter. Criteria: ACMG Guidelines, 2015. Collection method: clinical testing. Allele origin: germline. Affected: no.

Laboratory for Molecular Medicine, Mass General Brigham Personalized Medicine
Classification: Benign. Last evaluated: 2020-06-11. Review status: criteria provided, single submitter. Criteria: LMM Criteria. Collection method: clinical testing. Allele origin: germline. Observed: 1 variant allele.
Comment: The p.Ser110Ser variant in ALPL is classified as benign because it is the major allele at this position and is present in 94.5% (266754/282304) of total chromosomes in gnomAD. ACMG/AMP Criteria applied: BA1.

Eurofins Ntd Llc (ga)
Classification: Benign. Last evaluated: 2018-06-05. Review status: criteria provided, single submitter. Criteria: EGL ClinVar v180209 classification definitions. Collection method: clinical testing. Allele origin: germline. Observed: 7 variant alleles, 1 heterozygote, 6 homozygotes.

Breakthrough Genomics
Classification: Benign. Review status: criteria provided, single submitter. Criteria: ACMG Guidelines, 2015. Collection method: not provided. Allele origin: germline. Inheritance: Autosomal recessive inheritance. Affected: yes.

Natera, Inc.
Classification: Benign for Hypophosphatasia. Last evaluated: 2019-11-16. Review status: no assertion criteria provided. Collection method: clinical testing. Allele origin: germline. Not counted in ClinVar's aggregate classification.

Clinical Genetics DNA and cytogenetics Diagnostics Lab, Erasmus MC, Erasmus Medical Center
Classification: Benign. Review status: no assertion criteria provided. Collection method: clinical testing. Allele origin: germline. Affected: yes. Study: VKGL Data-share Consensus. Not counted in ClinVar's aggregate classification.

Diagnostic Laboratory, Department of Genetics, University Medical Center Groningen
Classification: Benign. Review status: no assertion criteria provided. Collection method: clinical testing. Allele origin: germline. Affected: yes. Study: VKGL Data-share Consensus. Not counted in ClinVar's aggregate classification.

Genome Diagnostics Laboratory, Amsterdam University Medical Center
Classification: Benign. Review status: no assertion criteria provided. Collection method: clinical testing. Allele origin: germline. Affected: yes. Study: VKGL Data-share Consensus. Not counted in ClinVar's aggregate classification.

Literature cited by the submitters: PubMed 28881669 (cited by JKU Lab, Dept of Paediatrics, Johannes Kepler University); PubMed 27507156 (cited by JKU Lab, Dept of Paediatrics, Johannes Kepler University); PubMed 34213743 (cited by JKU Lab, Dept of Paediatrics, Johannes Kepler University).

NM_000478.6(ALPL):c.330T>C (p.Ser110=)

Gene: ALPL (alkaline phosphatase, biomineralization associated; plus strand). Cytogenetic location: 1p36.12.
Variant type: single nucleotide variant.
Coding change: c.330T>C on transcript NM_000478.6 (MANE Select); coding-DNA position 330, T replaced by C.
Protein change: p.Ser110=; no amino-acid change (serine 110 retained).
Molecular consequence: synonymous variant.
Genome position (GRCh38, 1-based): chr1:21,563,142, T>C. VCF-style: chr1-21563142-T-C. GRCh37 (hg19) VCF-style: chr1-21889635-T-C.
Other names: p.Ser110=; c.165T>C, p.Ser55= (NM_001127501.4); c.99T>C, p.Ser33= (NM_001177520.3); c.330T>C, p.Ser110= (NM_001369803.2, NM_001369804.2, NM_001369805.2).
Identifiers: ClinVar variation 197678 (VCV000197678.29), dbSNP rs1780316, ClinGen allele CA203015.